The following is an entry in ClinVar:

ClinVar aggregate classification (germline): Conflicting classifications of pathogenicity. Review status: criteria provided, conflicting classifications (1 of 4 stars). 2 submissions from 2 submitters: Uncertain significance (1); Likely benign (1). Last evaluated 2025-05-04.

Conditions:
Inborn genetic diseases. Identifiers: MedGen C0950123, MeSH D030342.
Hyperphosphatasia with intellectual disability syndrome 5 (GPIBD11). Also called: GLYCOSYLPHOSPHATIDYLINOSITOL BIOSYNTHESIS DEFECT 11. Identifiers: Orphanet 247262, MedGen C4014958, MONDO:0014457, OMIM 616025.

Allele frequency attached by ClinVar (database versions not stated): gnomAD exomes below 0.00001; gnomAD 0.00001; TOPMed 0.00001.
gnomAD v4.1: 4 of 1,613,998 alleles (0.00025%); highest among the groups gnomAD compares: Non-Finnish European, 0.00034%; no homozygotes.

Submissions (2):

Ambry Genetics
Classification: Likely benign for Inborn genetic diseases. Last evaluated: 2025-05-04. Review status: criteria provided, single submitter. Criteria: Ambry Variant Classification Scheme 2023. Collection method: clinical testing. Allele origin: germline.

Labcorp Genetics (formerly Invitae), Labcorp
Classification: Uncertain significance for Hyperphosphatasia with intellectual disability syndrome 5. Last evaluated: 2021-09-26. Review status: criteria provided, single submitter. Criteria: Invitae Variant Classification Sherloc (09022015). Collection method: clinical testing. Allele origin: germline.
Comment: In summary, the available evidence is currently insufficient to determine the role of this variant in disease. Therefore, it has been classified as a Variant of Uncertain Significance. Algorithms developed to predict the effect of missense changes on protein structure and function output the following: SIFT: "Tolerated"; PolyPhen-2: "Benign"; Align-GVGD: "Class C0". The isoleucine amino acid residue is found in multiple mammalian species, which suggests that this missense change does not adversely affect protein function. This variant has not been reported in the literature in individuals affected with PIGW-related conditions. This variant is not present in population databases (ExAC no frequency). This sequence change replaces valine with isoleucine at codon 428 of the PIGW protein (p.Val428Ile). The valine residue is weakly conserved and there is a small physicochemical difference between valine and isoleucine.

NM_001346754.2(PIGW):c.1282G>A (p.Val428Ile)

Genes: MYO19 (myosin XIX; minus strand), PIGW (phosphatidylinositol glycan anchor biosynthesis class W; plus strand). Cytogenetic location: 17q12.
Variant type: single nucleotide variant.
Coding change: c.1282G>A on transcript NM_001346754.2 (MANE Select); coding-DNA position 1282, G replaced by A.
Protein change: p.Val428Ile; replaces valine 428 with isoleucine.
Molecular consequence: missense variant.
Genome position (GRCh38, 1-based): chr17:36,538,383, G>A. VCF-style: chr17-36538383-G-A. GRCh37 (hg19) VCF-style: chr17-34894232-G-A.
Other names: c.1282G>A, p.Val428Ile (NM_001346755.2, NM_178517.5); c.1282G>A (NM_178517.3); short protein forms V428I.
Identifiers: ClinVar variation 1498920 (VCV001498920.7), dbSNP rs1198359147, ClinGen allele CA399164640.